The following is an entry in ClinVar:

ClinVar aggregate classification (germline): Uncertain significance. Review status: criteria provided, multiple submitters, no conflicts (2 of 4 stars). 2 submissions from 2 submitters: Uncertain significance (2). Last evaluated 2025-08-19.

Allele frequency attached by ClinVar (database versions not stated): gnomAD exomes 0.00003; TOPMed 0.00003.
gnomAD v4.1: 53 of 1,600,010 alleles (0.0033%); highest among the groups gnomAD compares: African/African-American, 0.004%; no homozygotes.

Submissions (2):

Ambry Genetics
Classification: Uncertain significance. Last evaluated: 2025-08-19. Review status: criteria provided, single submitter. Criteria: Ambry Variant Classification Scheme 2023. Collection method: clinical testing. Allele origin: germline.

Labcorp Genetics (formerly Invitae), Labcorp
Classification: Uncertain significance. Last evaluated: 2022-06-23. Review status: criteria provided, single submitter. Criteria: Invitae Variant Classification Sherloc (09022015). Collection method: clinical testing. Allele origin: germline.
Comment: Algorithms developed to predict the effect of missense changes on protein structure and function (SIFT, PolyPhen-2, Align-GVGD) all suggest that this variant is likely to be disruptive. This variant has not been reported in the literature in individuals affected with EEF2-related conditions. This variant is present in population databases (rs776792190, gnomAD 0.005%). This sequence change replaces valine, which is neutral and non-polar, with alanine, which is neutral and non-polar, at codon 762 of the EEF2 protein (p.Val762Ala). In summary, the available evidence is currently insufficient to determine the role of this variant in disease. Therefore, it has been classified as a Variant of Uncertain Significance.

NM_001961.4(EEF2):c.2285T>C (p.Val762Ala)

Gene: EEF2 (eukaryotic translation elongation factor 2; minus strand). Cytogenetic location: 19p13.3.
Variant type: single nucleotide variant.
Coding change: c.2285T>C on transcript NM_001961.4 (MANE Select); coding-DNA position 2285, T replaced by C.
Protein change: p.Val762Ala; replaces valine 762 with alanine.
Molecular consequence: missense variant.
Genome position (GRCh38, 1-based): chr19:3,977,313, A>G on the plus strand (T>C on the coding strand, the complement: EEF2 is on the minus strand). VCF-style: chr19-3977313-A-G. GRCh37 (hg19) VCF-style: chr19-3977311-A-G.
Other names: c.2285T>C (NM_001961.3); short protein forms V762A.
Identifiers: ClinVar variation 2167328 (VCV002167328.5), dbSNP rs776792190, ClinGen allele CA9088587.